The following is an entry in ClinVar:

ClinVar aggregate classification (germline): Uncertain significance (1 of 4 stars; one submission).

Conditions:
Cardiovascular phenotype. Identifiers: MedGen CN230736.

Submission:

Ambry Genetics
Classification: Uncertain significance for Cardiovascular phenotype. Last evaluated: 2025-09-12. Review status: criteria provided, single submitter. Criteria: Ambry Variant Classification Scheme 2023. Collection method: clinical testing. Allele origin: germline.
Comment: The p.S339F variant (also known as c.1016C>T), located in coding exon 6 of the FLNC gene, results from a C to T substitution at nucleotide position 1016. The serine at codon 339 is replaced by phenylalanine, an amino acid with highly dissimilar properties. This amino acid position is conserved. In addition, this alteration is predicted to be tolerated by in silico analysis. Based on the available evidence, the clinical significance of this variant remains unclear.

NM_001458.5(FLNC):c.1016C>T (p.Ser339Phe)

Gene: FLNC (filamin C; plus strand). Cytogenetic location: 7q32.1.
Variant type: single nucleotide variant.
Coding change: c.1016C>T on transcript NM_001458.5 (MANE Select); coding-DNA position 1016, C replaced by T.
Protein change: p.Ser339Phe; replaces serine 339 with phenylalanine.
Molecular consequence: missense variant.
Genome position (GRCh38, 1-based): chr7:128,838,033, C>T. VCF-style: chr7-128838033-C-T. GRCh37 (hg19) VCF-style: chr7-128478087-C-T.
Other names: c.1016C>T, p.Ser339Phe (NM_001127487.2); short protein forms S339F.
Identifiers: ClinVar variation 4258298 (VCV004258298.1).
Genomic context (GRCh38, chr7:128,838,033, plus strand): 5'-TTCCTTCCTAATAGGCTAAGGTGGTTCCCAACAATGACAAGGATCGCACCTATGCTGTCT[C>T]CTATGTGCCCAAGGTCGCTGGGTTACACAAGGTATCTCCCTCTAGGCCCCCCTGCCTGCG-3'
Protein context (NP_001449.3, residues 329-349): NNDKDRTYAV[Ser339Phe]YVPKVAGLHK